The following is an entry in ClinVar:

NM_030777.4(SLC2A10):c.221G>A (p.Arg74Lys)

Gene: SLC2A10 (solute carrier family 2 member 10; plus strand). Cytogenetic location: 20q13.12.
Variant type: single nucleotide variant.
Coding change: c.221G>A on transcript NM_030777.4 (MANE Select); coding-DNA position 221, G replaced by A.
Protein change: p.Arg74Lys; replaces arginine 74 with lysine.
Molecular consequence: missense variant.
Genome position (GRCh38, 1-based): chr20:46,725,257, G>A. VCF-style: chr20-46725257-G-A. GRCh37 (hg19) VCF-style: chr20-45353896-G-A.
Other names: short protein forms R74K.
Identifiers: ClinVar variation 4167457 (VCV004167457.1).

ClinVar aggregate classification (germline): Uncertain significance (1 of 4 stars; one submission).

Conditions:
Familial thoracic aortic aneurysm and aortic dissection (TAAD). Also called: Thoracic aortic aneurysms and dissections. Identifiers: Orphanet 91387, MedGen C4707243, MONDO:0019625.

gnomAD v4.1: 3 of 1,614,064 alleles (0.00019%); highest among the groups gnomAD compares: African/African-American, 0.004%; no homozygotes.

Submission:

Ambry Genetics
Classification: Uncertain significance for Familial thoracic aortic aneurysm and aortic dissection. Last evaluated: 2025-07-15. Review status: criteria provided, single submitter. Criteria: Ambry Variant Classification Scheme 2023. Collection method: clinical testing. Allele origin: germline.
Comment: The p.R74K variant (also known as c.221G>A), located in coding exon 2 of the SLC2A10 gene, results from a G to A substitution at nucleotide position 221. The arginine at codon 74 is replaced by lysine, an amino acid with highly similar properties. This amino acid position is highly conserved in available vertebrate species. In addition, this alteration is predicted to be deleterious by in silico analysis. Based on the available evidence, the clinical significance of this variant remains unclear.